The following is an entry in ClinVar:

ClinVar aggregate classification (germline): Uncertain significance (1 of 4 stars; one submission).

Conditions:
Cardiovascular phenotype. Identifiers: MedGen CN230736.

Submission:

Ambry Genetics
Classification: Uncertain significance for Cardiovascular phenotype. Last evaluated: 2024-06-09. Review status: criteria provided, single submitter. Criteria: Ambry Variant Classification Scheme 2023. Collection method: clinical testing. Allele origin: germline.
Comment: The p.M2018I variant (also known as c.6054G>A), located in coding exon 2 of the ZNF469 gene, results from a G to A substitution at nucleotide position 6054. The methionine at codon 2018 is replaced by isoleucine, an amino acid with highly similar properties. This amino acid position is conserved. In addition, this alteration is predicted to be tolerated by in silico analysis. Based on the available evidence, the clinical significance of this variant remains unclear.

NM_001367624.2(ZNF469):c.6138G>A (p.Met2046Ile)

Gene: ZNF469 (zinc finger protein 469; plus strand). Cytogenetic location: 16q24.2.
Variant type: single nucleotide variant.
Coding change: c.6138G>A on transcript NM_001367624.2 (MANE Select); coding-DNA position 6138, G replaced by A.
Protein change: p.Met2046Ile; replaces methionine 2046 with isoleucine.
Molecular consequence: missense variant.
Genome position (GRCh38, 1-based): chr16:88,433,608, G>A. VCF-style: chr16-88433608-G-A. GRCh37 (hg19) VCF-style: chr16-88500016-G-A.
Other names: NM_001127464.1:c.6054G>A; short protein forms M2046I.
Identifiers: ClinVar variation 3258281 (VCV003258281.1).
Genomic context (GRCh38, chr16:88,433,608, plus strand): 5'-GACCGGCCCCACCGAGGGTGCAGTCCTGCTAGAGAAATGCAAGGGAAGCAGGGCAGCCAT[G>A]AGCCTTCAGGAGGAGGCCGAGCCCACCCCAAGCCCCCCGTCCCCTAATAGGGAGTCCCTG-3'
Protein context (NP_001354553.1, residues 2036-2056): LEKCKGSRAA[Met2046Ile]SLQEEAEPTP